The following is an entry in ClinVar:

NM_000553.6(WRN):c.2533A>G (p.Met845Val)

Gene: WRN (WRN RecQ like helicase; plus strand). Cytogenetic location: 8p12.
Variant type: single nucleotide variant.
Coding change: c.2533A>G on transcript NM_000553.6 (MANE Select); coding-DNA position 2533, A replaced by G.
Protein change: p.Met845Val; replaces methionine 845 with valine.
Molecular consequence: missense variant.
Genome position (GRCh38, 1-based): chr8:31,120,327, A>G. VCF-style: chr8-31120327-A-G. GRCh37 (hg19) VCF-style: chr8-30977843-A-G.
Other names: short protein forms M845V.
Identifiers: ClinVar variation 1406141 (VCV001406141.6), dbSNP rs1801675452, ClinGen allele CA370915460.
Genomic context (GRCh38, chr8:31,120,327, plus strand): 5'-GGAATGGGCATTAATAAAGCTGACATTCGCCAAGTCATTCATTACGGTGCTCCTAAGGAC[A>G]TGGAATCATATTATCAGGAGATTGGTAGAGCTGGTCGTGATGGACTTCAAAGTTCTTGTC-3'
Protein context (NP_000544.2, residues 835-855): QVIHYGAPKD[Met845Val]ESYYQEIGRA

ClinVar aggregate classification (germline): Uncertain significance (1 of 4 stars; one submission).

Conditions:
Werner syndrome (WRN). Identifiers: Orphanet 902, MedGen C0043119, MONDO:0010196, OMIM 277700.

Allele frequency attached by ClinVar (database versions not stated): TOPMed below 0.00001.

Submission:

Labcorp Genetics (formerly Invitae), Labcorp
Classification: Uncertain significance for Werner syndrome. Last evaluated: 2021-12-27. Review status: criteria provided, single submitter. Criteria: Invitae Variant Classification Sherloc (09022015). Collection method: clinical testing. Allele origin: germline.
Comment: In summary, the available evidence is currently insufficient to determine the role of this variant in disease. Therefore, it has been classified as a Variant of Uncertain Significance. Algorithms developed to predict the effect of missense changes on protein structure and function are either unavailable or do not agree on the potential impact of this missense change (SIFT: "Not Available"; PolyPhen-2: "Possibly Damaging"; Align-GVGD: "Not Available"). This variant has not been reported in the literature in individuals affected with WRN-related conditions. This variant is not present in population databases (gnomAD no frequency). This sequence change replaces methionine, which is neutral and non-polar, with valine, which is neutral and non-polar, at codon 845 of the WRN protein (p.Met845Val).